The following is an entry in ClinVar:

NM_000038.6(APC):c.4431G>T (p.Gln1477His)

Gene: APC (APC regulator of Wnt signaling pathway; plus strand). Cytogenetic location: 5q22.2.
Variant type: single nucleotide variant.
Coding change: c.4431G>T on transcript NM_000038.6 (MANE Select); coding-DNA position 4431, G replaced by T.
Protein change: p.Gln1477His; replaces glutamine 1477 with histidine.
Molecular consequence: missense variant. On other transcripts: non-coding transcript variant (2).
Genome position (GRCh38, 1-based): chr5:112,840,025, G>T. VCF-style: chr5-112840025-G-T. GRCh37 (hg19) VCF-style: chr5-112175722-G-T.
Other names: c.4431G>T, p.Gln1477His (NM_001127510.3, NM_001354895.2, NM_001407450.1); c.4377G>T, p.Gln1459His (NM_001127511.3); c.4485G>T, p.Gln1495His (NM_001354896.2, NM_001407447.1, NM_001407448.1 and 1 more transcripts); c.4461G>T, p.Gln1487His (NM_001354897.2); c.4356G>T, p.Gln1452His (NM_001354898.2); c.4347G>T, p.Gln1449His (NM_001354899.2); c.4308G>T, p.Gln1436His (NM_001354900.2); c.4254G>T, p.Gln1418His (NM_001354901.2, NM_001407453.1); and 11 more; short protein forms Q1093H, Q1194H, Q1317H, Q1348H, Q1351H, Q1376H, Q1386H, Q1394H.
Identifiers: ClinVar variation 3386674 (VCV003386674.2).

ClinVar aggregate classification (germline): Uncertain significance. Review status: criteria provided, multiple submitters, no conflicts (2 of 4 stars). 2 submissions from 2 submitters: Uncertain significance (2). Last evaluated 2024-07-10.

Conditions:
Classic or attenuated familial adenomatous polyposis. Identifiers: MedGen CN372698, MONDO:0021057.
Hereditary cancer-predisposing syndrome. Also called: Neoplastic Syndromes, Hereditary; Hereditary Cancer Syndrome; Tumor predisposition; Hereditary neoplastic syndrome. Identifiers: Orphanet 140162, MedGen C0027672, MeSH D009386, MONDO:0015356.

Submissions (2):

All of Us Research Program, National Institutes of Health
Classification: Uncertain significance for Classic or attenuated familial adenomatous polyposis. Last evaluated: 2024-07-10. Review status: criteria provided, single submitter. Criteria: ACMG Guidelines, 2015. Collection method: clinical testing. Allele origin: germline. Inheritance: Autosomal dominant inheritance. Observed: 1 variant allele, 1 heterozygote.
Comment: This missense variant replaces glutamine with histidine at codon 1477 of the APC protein. Computational prediction is inconclusive regarding the impact of this variant on protein structure and function (internally defined REVEL score threshold 0.5 < inconclusive < 0.7, PMID: 27666373). To our knowledge, functional studies have not been reported for this variant. This variant has not been reported in individuals affected with APC-related disorders in the literature. This variant has not been identified in the general population by the Genome Aggregation Database (gnomAD). The available evidence is insufficient to determine the role of this variant in disease conclusively. Therefore, this variant is classified as a Variant of Uncertain Significance.

This study involves interpretation of variants in research participants for the purpose of population health screening. Participant phenotype was not available at the time of variant classification. Additional details can be found in publication PMID: 35346344, PMCID: PMC8962531

Color Diagnostics, LLC DBA Color Health
Classification: Uncertain significance for Hereditary cancer-predisposing syndrome. Last evaluated: 2024-04-25. Review status: criteria provided, single submitter. Criteria: ACMG Guidelines, 2015. Collection method: clinical testing. Allele origin: germline.
Comment: This missense variant replaces glutamine with histidine at codon 1477 of the APC protein. Computational prediction is inconclusive regarding the impact of this variant on protein structure and function (internally defined REVEL score threshold 0.5 < inconclusive < 0.7, PMID: 27666373). To our knowledge, functional studies have not been reported for this variant. This variant has not been reported in individuals affected with APC-related disorders in the literature. This variant has not been identified in the general population by the Genome Aggregation Database (gnomAD). The available evidence is insufficient to determine the role of this variant in disease conclusively. Therefore, this variant is classified as a Variant of Uncertain Significance.